The following is an entry in ClinVar:

ClinVar aggregate classification (germline): Likely benign. Review status: criteria provided, single submitter (1 of 4 stars). 2 submissions from 2 submitters: Likely benign (1). 1 of the submissions does not count toward it. Last evaluated 2025-07-11.

Conditions:
MCM2-related disorder. Also called: MCM2-related condition.

Allele frequency attached by ClinVar (database versions not stated): gnomAD exomes 0.00013; ExAC 0.00061; gnomAD 0.00148; ESP Exome Variant Server 0.00161; TOPMed 0.00161; 1000 Genomes Project 30x 0.00390; 1000 Genomes Project 0.00399.
gnomAD v4.1: 426 of 1,614,120 alleles (0.026%); highest among the groups gnomAD compares: African/African-American, 0.5%; 1 homozygote.

Submissions (2):

Labcorp Genetics (formerly Invitae), Labcorp
Classification: Likely benign. Last evaluated: 2025-07-11. Review status: criteria provided, single submitter. Criteria: Invitae Variant Classification Sherloc (09022015). Collection method: clinical testing. Allele origin: germline.

PreventionGenetics, part of Exact Sciences
Classification: Benign for MCM2-related condition. Last evaluated: 2020-01-06. Review status: no assertion criteria provided. Collection method: clinical testing. Allele origin: germline. Not counted in ClinVar's aggregate classification.
Comment: This variant is classified as benign based on ACMG/AMP sequence variant interpretation guidelines (Richards et al. 2015 PMID: 25741868, with internal and published modifications).

NM_004526.4(MCM2):c.2573T>C (p.Ile858Thr)

Genes: MCM2 (minichromosome maintenance complex component 2; plus strand), LOC107986126 (uncharacterized LOC107986126; minus strand). Cytogenetic location: 3q21.3.
Variant type: single nucleotide variant.
Coding change: c.2573T>C on transcript NM_004526.4 (MANE Select); coding-DNA position 2573, T replaced by C.
Protein change: p.Ile858Thr; replaces isoleucine 858 with threonine.
Molecular consequence: missense variant. On other transcripts: non-coding transcript variant (1).
Genome position (GRCh38, 1-based): chr3:127,621,197, T>C. VCF-style: chr3-127621197-T-C. GRCh37 (hg19) VCF-style: chr3-127340040-T-C.
Other names: c.2573T>C (NM_004526.3); short protein forms I858T.
Identifiers: ClinVar variation 2042855 (VCV002042855.6), dbSNP rs144122212, ClinGen allele CA2596289.
Genomic context (GRCh38, chr3:127,621,197, plus strand): 5'-AGTTAGTGGCAGAGCAGGTGACATATCAGCGCAACCGCTTTGGGGCCCAGCAGGACACTA[T>C]TGAGGTCCCTGAGAAGGACTTGGTGGATAAGGTATGGGCCCGGAAGGGAGGTGAGGGTTG-3'
Protein context (NP_004517.2, residues 848-868): RNRFGAQQDT[Ile858Thr]EVPEKDLVDK